The following is an entry in ClinVar:

NM_003791.4(MBTPS1):c.2404G>A (p.Val802Met)

Gene: MBTPS1 (membrane bound transcription factor peptidase, site 1; minus strand). Cytogenetic location: 16q23.3.
Variant type: single nucleotide variant.
Coding change: c.2404G>A on transcript NM_003791.4 (MANE Select); coding-DNA position 2404, G replaced by A.
Protein change: p.Val802Met; replaces valine 802 with methionine.
Molecular consequence: missense variant.
Genome position (GRCh38, 1-based): chr16:84,065,717, C>T on the plus strand (G>A on the coding strand, the complement: MBTPS1 is on the minus strand). VCF-style: chr16-84065717-C-T. GRCh37 (hg19) VCF-style: chr16-84099322-C-T.
Other names: short protein forms V802M.
Identifiers: ClinVar variation 1379091 (VCV001379091.8), dbSNP rs764408404, ClinGen allele CA8200926.

ClinVar aggregate classification (germline): Uncertain significance (1 of 4 stars; one submission).

Allele frequency attached by ClinVar (database versions not stated): ExAC 0.00001; gnomAD 0.00002; TOPMed 0.00003.
gnomAD v4.1: 39 of 1,612,186 alleles (0.0024%); highest among the groups gnomAD compares: South Asian, 0.014%; no homozygotes.

Submission:

Labcorp Genetics (formerly Invitae), Labcorp
Classification: Uncertain significance. Last evaluated: 2025-01-06. Review status: criteria provided, single submitter. Criteria: Invitae Variant Classification Sherloc (09022015). Collection method: clinical testing. Allele origin: germline.
Comment: This sequence change replaces valine, which is neutral and non-polar, with methionine, which is neutral and non-polar, at codon 802 of the MBTPS1 protein (p.Val802Met). This variant is present in population databases (rs764408404, gnomAD 0.01%). This variant has not been reported in the literature in individuals affected with MBTPS1-related conditions. ClinVar contains an entry for this variant (Variation ID: 1379091). An algorithm developed to predict the effect of missense changes on protein structure and function (PolyPhen-2) suggests that this variant is likely to be tolerated. In summary, the available evidence is currently insufficient to determine the role of this variant in disease. Therefore, it has been classified as a Variant of Uncertain Significance.